The following is an entry in ClinVar:

ClinVar aggregate classification (germline): Conflicting classifications of pathogenicity. Review status: criteria provided, conflicting classifications (1 of 4 stars). 3 submissions from 3 submitters: Uncertain significance (2); Likely benign (1). Last evaluated 2025-06-06.

Conditions:
VPS16-related disorder. Also called: VPS16-related condition.
Inborn genetic diseases. Identifiers: MedGen C0950123, MeSH D030342.

Allele frequency attached by ClinVar (database versions not stated): ExAC 0.00019; gnomAD 0.00019; TOPMed 0.00020; ESP Exome Variant Server 0.00038; gnomAD exomes 0.00046.
gnomAD v4.1: 691 of 1,614,004 alleles (0.043%); highest among the groups gnomAD compares: Non-Finnish European, 0.056%; no homozygotes.

Submissions (3):

PreventionGenetics, part of Exact Sciences
Classification: Likely benign for VPS16-related condition. Last evaluated: 2025-06-06. Review status: criteria provided, single submitter. Criteria: ACMG Guidelines, 2015. Collection method: clinical testing. Allele origin: germline.
Comment: This variant is classified as likely benign based on ACMG/AMP sequence variant interpretation guidelines (Richards et al. 2015 PMID: 25741868, with internal and published modifications).

Ambry Genetics
Classification: Uncertain significance for Inborn genetic diseases. Last evaluated: 2025-01-04. Review status: criteria provided, single submitter. Criteria: Ambry Variant Classification Scheme 2023. Collection method: clinical testing. Allele origin: germline.

CeGaT Center for Human Genetics Tuebingen
Classification: Uncertain significance. Last evaluated: 2023-01-01. Review status: criteria provided, single submitter. Criteria: CeGaT Center For Human Genetics Tuebingen Variant Classification Criteria Version 2. Collection method: clinical testing. Allele origin: germline. Affected: yes. Observed: 1 variant allele.
Comment: VPS16: PM2

NM_022575.4(VPS16):c.286G>A (p.Glu96Lys)

Gene: VPS16 (VPS16 core subunit of CORVET and HOPS complexes; plus strand). Cytogenetic location: 20p13.
Variant type: single nucleotide variant.
Coding change: c.286G>A on transcript NM_022575.4 (MANE Select); coding-DNA position 286, G replaced by A.
Protein change: p.Glu96Lys; replaces glutamic acid 96 with lysine.
Molecular consequence: missense variant.
Genome position (GRCh38, 1-based): chr20:2,860,284, G>A. VCF-style: chr20-2860284-G-A. GRCh37 (hg19) VCF-style: chr20-2840930-G-A.
Other names: c.286G>A (NM_022575.3, NM_022575.2); c.286G>A, p.Glu96Lys (NM_080413.3); short protein forms E96K.
Identifiers: ClinVar variation 2498878 (VCV002498878.31), dbSNP rs200835160, ClinGen allele CA9737308.
Genomic context (GRCh38, chr20:2,860,284, plus strand): 5'-CTCTCTCCCCTGCAGTGGAAGAGTGGACCCGTGGTGTCCCTGGGCTGGTCAGCTGAGGAG[G>A]AGCTGCTCTGTGTGCAGGAAGATGGTGCTGTACTGGTTTATGGGCTTCATGGTGACTTCC-3'
Protein context (NP_072097.2, residues 86-106): VVSLGWSAEE[Glu96Lys]LLCVQEDGAV